The following is an entry in ClinVar:

ClinVar aggregate classification (germline): Conflicting classifications of pathogenicity. Review status: criteria provided, conflicting classifications (1 of 4 stars). 4 submissions from 4 submitters: Uncertain significance (1); Benign (2); Likely benign (1). Last evaluated 2025-02-16.

Submissions (4):

Laboratory of Genetics, Children's Clinical University Hospital Latvia
Classification: Benign. Last evaluated: 2025-02-16. Review status: criteria provided, single submitter. Criteria: ACMG Guidelines, 2015. Collection method: clinical testing. Allele origin: germline. Affected: yes.

Blueprint Genetics
Classification: Likely benign. Last evaluated: 2024-11-26. Review status: criteria provided, single submitter. Criteria: ACMG Guidelines, 2015. Collection method: clinical testing. Allele origin: germline.

Mendelics
Classification: Benign. Last evaluated: 2022-05-04. Review status: criteria provided, single submitter. Criteria: Mendelics Assertion Criteria 2019. Collection method: clinical testing. Allele origin: germline.

Laboratory for Molecular Medicine, Mass General Brigham Personalized Medicine
Classification: Uncertain significance. Last evaluated: 2016-03-28. Review status: criteria provided, single submitter. Criteria: LMM Criteria. Collection method: clinical testing. Allele origin: germline.
Comment: Variant identified in a genome or exome case(s) and assessed due to predicted null impact of the variant or pathogenic assertions in the literature or databases. Disclaimer: This variant has not undergone full assessment. The following are preliminary notes: Not present in ESP. LOF is NOT an established disease mechanism. Not enough evidence that the gene is associated with cardiomyopathy. Mice homozygous for a conditional gene switch displayed no overt phenotype.

NM_002249.6(KCNN3):c.200AGC[17] (p.Gln78_Gln80dup)

Gene: KCNN3 (potassium calcium-activated channel subfamily N member 3; minus strand). Cytogenetic location: 1q21.3.
Variant type: Microsatellite.
Coding change: c.200AGC[17] on transcript NM_002249.6 (MANE Select); 17 copies in a row of the 3-base unit AGC starting at c.200; the reference has 14 copies in a row; three copies, 9 bases duplicated.
Protein change: p.Gln78_Gln80dup.
Molecular consequence: inframe insertion.
Genome position (GRCh38, 1-based): chr1:154,869,724-154,869,732, GCTGCTGCT duplicated on the plus strand (AGCAGCAGC on the coding strand, the reverse complement: KCNN3 is on the minus strand); duplicating any 9 consecutive bases within chr1:154,869,724-154,869,766 gives the same sequence; the position shown is the placement nearest the transcript's 3' end. VCF-style (leftmost placement, unchanged base first): chr1-154869723-G-GGCTGCTGCT. GRCh37 (hg19) VCF-style: chr1-154842199-G-GGCTGCTGCT.
Other names: NM_001204087.1:c.233_241dupAGCAGCAGC; c.200AGC[17], p.Gln78_Gln80dup (NM_001204087.2).
Identifiers: ClinVar variation 403006 (VCV000403006.7), dbSNP rs3831942, ClinGen allele CA1132325.